The following is an entry in ClinVar:

NM_000548.5(TSC2):c.1343T>C (p.Leu448Pro)

Gene: TSC2 (TSC complex subunit 2; plus strand). Cytogenetic location: 16p13.3.
Variant type: single nucleotide variant.
Coding change: c.1343T>C on transcript NM_000548.5 (MANE Select); coding-DNA position 1343, T replaced by C.
Protein change: p.Leu448Pro; replaces leucine 448 with proline.
Molecular consequence: missense variant.
Genome position (GRCh38, 1-based): chr16:2,062,582, T>C. VCF-style: chr16-2062582-T-C. GRCh37 (hg19) VCF-style: chr16-2112583-T-C.
Other names: c.1343T>C, p.Leu448Pro (NM_001077183.3, NM_001114382.3, NM_001363528.2 and 3 more transcripts); c.1232T>C, p.Leu411Pro (NM_001318827.2); c.1196T>C, p.Leu399Pro (NM_001318829.2); c.743T>C, p.Leu248Pro (NM_001318831.2); c.1376T>C, p.Leu459Pro (NM_001318832.2); short protein forms L448P, L248P, L399P, L411P, L459P.
Identifiers: ClinVar variation 65281 (VCV000065281.12), dbSNP rs397515206, ClinGen allele CA014458.

ClinVar aggregate classification (germline): Conflicting classifications of pathogenicity. Review status: criteria provided, conflicting classifications (1 of 4 stars). 4 submissions from 4 submitters: Pathogenic (1); Likely pathogenic (1); Uncertain significance (1). 1 of the submissions does not count toward it. Last evaluated 2021-11-07.

Conditions:
Tuberous sclerosis syndrome (TSC). Also called: Tuberous Sclerosis Complex; Tuberous sclerosis. Identifiers: Orphanet 805, MedGen C0041341, MONDO:0001734.
Tuberous sclerosis 2 (TSC2). Identifiers: Orphanet 805, MedGen C1860707, MONDO:0013199, OMIM 613254.

Submissions (4):

Genome-Nilou Lab
Classification: Likely pathogenic for Tuberous sclerosis 2. Last evaluated: 2021-11-07. Review status: criteria provided, single submitter. Criteria: ACMG Guidelines, 2015. Collection method: clinical testing. Allele origin: germline. Affected: no.

Labcorp Genetics (formerly Invitae), Labcorp
Classification: Uncertain significance for Tuberous sclerosis 2. Last evaluated: 2020-06-04. Review status: criteria provided, single submitter. Criteria: Invitae Variant Classification Sherloc (09022015). Collection method: clinical testing. Allele origin: germline.
Comment: This variant has been observed in individual(s) with suspected tuberous sclerosis complex (PMID: 22903760). ClinVar contains an entry for this variant (Variation ID: 65281). This variant has been reported to affect TSC2 protein function (PMID: 22903760). In summary, the available evidence is currently insufficient to determine the role of this variant in disease. Therefore, it has been classified as a Variant of Uncertain Significance. This sequence change replaces leucine with proline at codon 448 of the TSC2 protein (p.Leu448Pro). The leucine residue is highly conserved and there is a moderate physicochemical difference between leucine and proline. This variant is not present in population databases (ExAC no frequency).

Molecular Diagnostics Laboratory, M Health Fairview: University of Minnesota
Classification: Pathogenic for Tuberous sclerosis 2. Last evaluated: 2018-04-10. Review status: criteria provided, single submitter. Criteria: ACMG Guidelines, 2015. Collection method: clinical testing. Allele origin: germline. Affected: yes. Observed: 1 variant allele.

Tuberous sclerosis database (TSC2)
No classification provided. Condition: TSC. Review status: no classification provided. Criteria: Tuberous Sclerosis Database Assertion Criteria 2015. Collection method: curation. Allele origin: germline. Affected: yes. Not counted in ClinVar's aggregate classification.

Literature cited by the submitters: PubMed 22903760 (cited by Labcorp Genetics (formerly Invitae), Labcorp and Molecular Diagnostics Laboratory, M Health Fairview: University of Minnesota).